The following is an entry in ClinVar:

NM_001458.5(FLNC):c.6772T>C (p.Ser2258Pro)

Genes: FLNC (filamin C; plus strand), FLNC-AS1 (FLNC antisense RNA 1; minus strand). Cytogenetic location: 7q32.1.
Variant type: single nucleotide variant.
Coding change: c.6772T>C on transcript NM_001458.5 (MANE Select); coding-DNA position 6772, T replaced by C.
Protein change: p.Ser2258Pro; replaces serine 2258 with proline.
Molecular consequence: missense variant.
Genome position (GRCh38, 1-based): chr7:128,854,457, T>C. VCF-style: chr7-128854457-T-C. GRCh37 (hg19) VCF-style: chr7-128494511-T-C.
Other names: c.6673T>C, p.Ser2225Pro (NM_001127487.2); short protein forms S2225P, S2258P.
Identifiers: ClinVar variation 4812353 (VCV004812353.1).

ClinVar aggregate classification (germline): Uncertain significance (1 of 4 stars; one submission).

Conditions:
Myofibrillar myopathy 5. Also called: FILAMINOPATHY, AUTOSOMAL DOMINANT; Filaminopathy (type). Identifiers: Orphanet 171445, MedGen C1836050, MONDO:0012289, OMIM 609524.
Distal myopathy with posterior leg and anterior hand involvement. Also called: WILLIAMS DISTAL MYOPATHY. Identifiers: Orphanet 63273, MedGen C3279722, MONDO:0013550, OMIM 614065.
Hypertrophic cardiomyopathy 26. Also called: Cardiomyopathy, familial hypertrophic, 26. Identifiers: Orphanet 75249, MedGen C4310749, MONDO:0014883, OMIM 617047.

Submission:

Labcorp Genetics (formerly Invitae), Labcorp
Classification: Uncertain significance for Distal myopathy with posterior leg and anterior hand involvement; Myofibrillar myopathy 5; Hypertrophic cardiomyopathy 26. Last evaluated: 2025-10-09. Review status: criteria provided, single submitter. Criteria: Invitae Variant Classification Sherloc (09022015). Collection method: clinical testing. Allele origin: germline.
Comment: This sequence change replaces serine, which is neutral and polar, with proline, which is neutral and non-polar, at codon 2258 of the FLNC protein (p.Ser2258Pro). This variant is not present in population databases (gnomAD no frequency). This variant has not been reported in the literature in individuals affected with FLNC-related conditions. Invitae Evidence Modeling of protein sequence and biophysical properties (such as structural, functional, and spatial information, amino acid conservation, physicochemical variation, residue mobility, and thermodynamic stability) indicates that this missense variant is not expected to disrupt FLNC protein function with a negative predictive value of 95%. In summary, the available evidence is currently insufficient to determine the role of this variant in disease. Therefore, it has been classified as a Variant of Uncertain Significance.